The following is an entry in ClinVar:

NM_001080770.2(KIR2DL4):c.540C>T (p.Ala180=)

Gene: KIR2DL4 (killer cell immunoglobulin like receptor, two Ig domains and long cytoplasmic tail 4). Cytogenetic location: 19q13.42.
Variant type: single nucleotide variant.
Coding change: c.540C>T on transcript NM_001080770.2 (MANE Select); coding-DNA position 540, C replaced by T.
Protein change: p.Ala180=; no amino-acid change (alanine 180 retained).
Molecular consequence: synonymous variant.
Genome position (GRCh38, 1-based): chr19:54,806,129, C>T. VCF-style: chr19-54806129-C-T. GRCh37 (hg19) VCF-style: chr19-55317584-C-T.
Other names: c.540C>T, p.Ala180= (NM_001080772.2).
Identifiers: ClinVar variation 2650476 (VCV002650476.24), dbSNP rs954023147, ClinGen allele CA309908493.

ClinVar aggregate classification (germline): Likely benign (1 of 4 stars; one submission).

Submission:

CeGaT Center for Human Genetics Tuebingen
Classification: Likely benign. Last evaluated: 2023-08-01. Review status: criteria provided, single submitter. Criteria: CeGaT Center For Human Genetics Tuebingen Variant Classification Criteria Version 2. Collection method: clinical testing. Allele origin: germline. Affected: yes. Observed: 2 variant alleles.
Comment: KIR2DL4: BP4, BP7